The following is an entry in ClinVar:

ClinVar aggregate classification (germline): Uncertain significance. Review status: criteria provided, multiple submitters, no conflicts (2 of 4 stars). 3 submissions from 3 submitters: Uncertain significance (3). Last evaluated 2025-03-30.

Conditions:
Inborn genetic diseases. Identifiers: MedGen C0950123, MeSH D030342.
Ellis-van Creveld syndrome (EVC). Also called: EVC-Related Ellis-van Creveld Syndrome; EVC2-Related Ellis-van Creveld Syndrome; MESOECTODERMAL DYSPLASIA; Chondroectodermal dysplasia. Identifiers: Orphanet 289, MedGen C0013903, MONDO:0009162, OMIM 225500.
Curry-Hall syndrome (WAD). Also called: WEYERS ACRODENTAL DYSOSTOSIS. Identifiers: Orphanet 952, MedGen C0457013, MONDO:0008673, OMIM 193530.

Allele frequency attached by ClinVar (database versions not stated): gnomAD exomes 0.00001 and 0.00002; ExAC 0.00002; TOPMed 0.00003.
gnomAD v4.1: 19 of 1,614,054 alleles (0.0012%); highest among the groups gnomAD compares: Middle Eastern, 0.016%; no homozygotes.

Submissions (3):

Labcorp Genetics (formerly Invitae), Labcorp
Classification: Uncertain significance for Curry-Hall syndrome; Ellis-van Creveld syndrome. Last evaluated: 2025-03-30. Review status: criteria provided, single submitter. Criteria: Invitae Variant Classification Sherloc (09022015). Collection method: clinical testing. Allele origin: germline.
Comment: This sequence change replaces arginine, which is basic and polar, with glutamine, which is neutral and polar, at codon 911 of the EVC2 protein (p.Arg911Gln). This variant is present in population databases (rs767317898, gnomAD 0.006%). This variant has not been reported in the literature in individuals affected with EVC2-related conditions. ClinVar contains an entry for this variant (Variation ID: 348997). An algorithm developed to predict the effect of missense changes on protein structure and function (PolyPhen-2) suggests that this variant is likely to be disruptive. In summary, the available evidence is currently insufficient to determine the role of this variant in disease. Therefore, it has been classified as a Variant of Uncertain Significance.

Ambry Genetics
Classification: Uncertain significance for Inborn genetic diseases. Last evaluated: 2024-07-09. Review status: criteria provided, single submitter. Criteria: Ambry Variant Classification Scheme 2023. Collection method: clinical testing. Allele origin: germline.

Illumina Laboratory Services, Illumina
Classification: Uncertain significance for Ellis-van Creveld syndrome. Last evaluated: 2018-01-13. Review status: criteria provided, single submitter. Criteria: ICSL Variant Classification Criteria 13 December 2019. Collection method: clinical testing. Allele origin: germline.

NM_147127.5(EVC2):c.2732G>A (p.Arg911Gln)

Gene: EVC2 (EvC ciliary complex subunit 2; minus strand). Cytogenetic location: 4p16.2.
Variant type: single nucleotide variant.
Coding change: c.2732G>A on transcript NM_147127.5 (MANE Select); coding-DNA position 2732, G replaced by A.
Protein change: p.Arg911Gln; replaces arginine 911 with glutamine.
Molecular consequence: missense variant.
Genome position (GRCh38, 1-based): chr4:5,615,519, C>T on the plus strand (G>A on the coding strand, the complement: EVC2 is on the minus strand). VCF-style: chr4-5615519-C-T. GRCh37 (hg19) VCF-style: chr4-5617246-C-T.
Other names: c.2492G>A, p.Arg831Gln (NM_001166136.2); short protein forms R911Q, R831Q.
Identifiers: ClinVar variation 348997 (VCV000348997.9), dbSNP rs767317898, ClinGen allele CA2834595.